The following is an entry in ClinVar:

ClinVar aggregate classification (germline): Uncertain significance (1 of 4 stars; one submission).

Conditions:
Marfan syndrome (MFS). Also called: MARFAN SYNDROME, TYPE I; Marfan syndrome type 1; Marfan's syndrome; Marfan syndrome, classic; FBN1-Related Marfan Syndrome. Identifiers: Orphanet 284963, Orphanet 558, MedGen C0024796, MONDO:0007947, OMIM 154700.
Familial thoracic aortic aneurysm and aortic dissection (TAAD). Also called: Thoracic aortic aneurysms and dissections. Identifiers: Orphanet 91387, MedGen C4707243, MONDO:0019625.

Allele frequency attached by ClinVar (database versions not stated): gnomAD exomes 0.00001.
gnomAD v4.1: 11 of 1,612,580 alleles (0.00068%); highest among the groups gnomAD compares: African/African-American, 0.0013%; no homozygotes.

Submission:

Labcorp Genetics (formerly Invitae), Labcorp
Classification: Uncertain significance for Marfan syndrome; Familial thoracic aortic aneurysm and aortic dissection. Last evaluated: 2024-09-10. Review status: criteria provided, single submitter. Criteria: Invitae Variant Classification Sherloc (09022015). Collection method: clinical testing. Allele origin: germline.
Comment: This sequence change replaces histidine, which is basic and polar, with tyrosine, which is neutral and polar, at codon 2426 of the FBN1 protein (p.His2426Tyr). This variant is not present in population databases (gnomAD no frequency). This variant has not been reported in the literature in individuals affected with FBN1-related conditions. ClinVar contains an entry for this variant (Variation ID: 1426570). Invitae Evidence Modeling of protein sequence and biophysical properties (such as structural, functional, and spatial information, amino acid conservation, physicochemical variation, residue mobility, and thermodynamic stability) has been performed for this missense variant. However, the output from this modeling did not meet the statistical confidence thresholds required to predict the impact of this variant on FBN1 protein function. In summary, the available evidence is currently insufficient to determine the role of this variant in disease. Therefore, it has been classified as a Variant of Uncertain Significance.

NM_000138.5(FBN1):c.7276C>T (p.His2426Tyr)

Gene: FBN1 (fibrillin 1; minus strand). Cytogenetic location: 15q21.1.
Variant type: single nucleotide variant.
Coding change: c.7276C>T on transcript NM_000138.5 (MANE Select); coding-DNA position 7276, C replaced by T.
Protein change: p.His2426Tyr; replaces histidine 2426 with tyrosine.
Molecular consequence: missense variant.
Genome position (GRCh38, 1-based): chr15:48,425,793, G>A on the plus strand (C>T on the coding strand, the complement: FBN1 is on the minus strand). VCF-style: chr15-48425793-G-A. GRCh37 (hg19) VCF-style: chr15-48717990-G-A.
Other names: short protein forms H2426Y.
Identifiers: ClinVar variation 1426570 (VCV001426570.8), dbSNP rs372369490, ClinGen allele CA269520758.